The following is an entry in ClinVar:

ClinVar aggregate classification (germline): Uncertain significance (1 of 4 stars; one submission).

Conditions:
Immunodeficiency 31B. Also called: IMMUNODEFICIENCY 31B, MYCOBACTERIAL AND VIRAL INFECTIONS, AUTOSOMAL RECESSIVE; STAT1 DEFICIENCY, AUTOSOMAL RECESSIVE. Identifiers: Orphanet 391311, MedGen C3151088, MONDO:0013427, OMIM 613796.
Autoimmune enteropathy and endocrinopathy - susceptibility to chronic infections syndrome. Also called: Immunodeficiency 31C, autosomal dominant; Immunodeficiency 31C. Identifiers: Orphanet 391487, MedGen C3279990, MONDO:0013599, OMIM 614162.
Mendelian susceptibility to mycobacterial diseases due to partial STAT1 deficiency. Also called: IMMUNODEFICIENCY 31A, MYCOBACTERIOSIS, AUTOSOMAL DOMINANT; STAT1 DEFICIENCY, AUTOSOMAL DOMINANT; Immunodeficiency 31a. Identifiers: Orphanet 319595, MedGen C4013950, MONDO:0013956, OMIM 614892.

Submission:

Labcorp Genetics (formerly Invitae), Labcorp
Classification: Uncertain significance for Mendelian susceptibility to mycobacterial diseases due to partial STAT1 deficiency; Immunodeficiency 31B; Autoimmune enteropathy and endocrinopathy - susceptibility to chronic infections syndrome. Last evaluated: 2022-08-05. Review status: criteria provided, single submitter. Criteria: Invitae Variant Classification Sherloc (09022015). Collection method: clinical testing. Allele origin: germline.
Comment: In summary, the available evidence is currently insufficient to determine the role of this variant in disease. Therefore, it has been classified as a Variant of Uncertain Significance. Algorithms developed to predict the effect of missense changes on protein structure and function (SIFT, PolyPhen-2, Align-GVGD) all suggest that this variant is likely to be tolerated. ClinVar contains an entry for this variant (Variation ID: 1499062). This variant has not been reported in the literature in individuals affected with STAT1-related conditions. This variant is not present in population databases (gnomAD no frequency). This sequence change replaces histidine, which is basic and polar, with tyrosine, which is neutral and polar, at codon 291 of the STAT1 protein (p.His291Tyr).

NM_007315.4(STAT1):c.871C>T (p.His291Tyr)

Gene: STAT1 (signal transducer and activator of transcription 1; minus strand). Cytogenetic location: 2q32.2.
Variant type: single nucleotide variant.
Coding change: c.871C>T on transcript NM_007315.4 (MANE Select); coding-DNA position 871, C replaced by T.
Protein change: p.His291Tyr; replaces histidine 291 with tyrosine.
Molecular consequence: missense variant. On other transcripts: intron variant (1).
Genome position (GRCh38, 1-based): chr2:190,995,134, G>A on the plus strand (C>T on the coding strand, the complement: STAT1 is on the minus strand). VCF-style: chr2-190995134-G-A. GRCh37 (hg19) VCF-style: chr2-191859860-G-A.
Other names: c.772C>T, p.His258Tyr (NM_001384883.1); c.877C>T, p.His293Tyr (NM_001384884.1, NM_001384881.1); c.871C>T, p.His291Tyr (NM_001384886.1, NM_001384887.1, NM_001384888.1 and 4 more transcripts); c.781C>T, p.His261Tyr (NM_001384890.1); c.907C>T, p.His303Tyr (NM_001384891.1); c.785+2722C>T (NM_001384885.1); short protein forms H261Y, H293Y, H303Y, H258Y, H291Y.
Identifiers: ClinVar variation 1499062 (VCV001499062.8), dbSNP rs2125062260, ClinGen allele CA349921718.